The following is an entry in ClinVar:

NM_000744.7(CHRNA4):c.448C>T (p.Gln150Ter)

Gene: CHRNA4 (cholinergic receptor nicotinic alpha 4 subunit; minus strand). Cytogenetic location: 20q13.33.
Variant type: single nucleotide variant.
Coding change: c.448C>T on transcript NM_000744.7 (MANE Select); coding-DNA position 448, C replaced by T.
Protein change: p.Gln150Ter; replaces glutamine 150 with a stop codon.
Molecular consequence: nonsense. On other transcripts: 5 prime UTR variant (1), non-coding transcript variant (1).
Genome position (GRCh38, 1-based): chr20:63,350,963, G>A on the plus strand (C>T on the coding strand, the complement: CHRNA4 is on the minus strand). VCF-style: chr20-63350963-G-A. GRCh37 (hg19) VCF-style: chr20-61982315-G-A.
Other names: c.-81C>T (NM_001256573.2); short protein forms Q150*.
Identifiers: ClinVar variation 645151 (VCV000645151.6), dbSNP rs200747769, ClinGen allele CA409638664.

ClinVar aggregate classification (germline): Uncertain significance (1 of 4 stars; one submission).

Conditions:
Familial sleep-related hypermotor epilepsy. Also called: Autosomal Dominant Sleep-Related Hypermotor (Hyperkinetic) Epilepsy. Identifiers: Orphanet 98784, MedGen C3696898, MONDO:0000030.

Allele frequency attached by ClinVar (database versions not stated): TOPMed below 0.00001.

Submission:

Labcorp Genetics (formerly Invitae), Labcorp
Classification: Uncertain significance. Last evaluated: 2023-08-17. Review status: criteria provided, single submitter. Criteria: Invitae Variant Classification Sherloc (09022015). Collection method: clinical testing. Allele origin: germline.
Comment: This sequence change creates a premature translational stop signal (p.Gln150*) in the CHRNA4 gene. It is expected to result in an absent or disrupted protein product. However, the current clinical and genetic evidence is not sufficient to establish whether loss-of-function variants in CHRNA4 cause disease. This variant is not present in population databases (gnomAD no frequency). This variant has not been reported in the literature in individuals affected with CHRNA4-related conditions. ClinVar contains an entry for this variant (Variation ID: 645151). In summary, the available evidence is currently insufficient to determine the role of this variant in disease. Therefore, it has been classified as a Variant of Uncertain Significance.